The following is an entry in ClinVar:

NM_001382241.1(TNPO2):c.772-10C>G

Gene: TNPO2 (transportin 2; minus strand). Cytogenetic location: 19p13.13.
Variant type: single nucleotide variant.
Coding change: c.772-10C>G on transcript NM_001382241.1 (MANE Select); 10 bases into the intron before coding-DNA position 772, C replaced by G.
Molecular consequence: intron variant.
Genome position (GRCh38, 1-based): chr19:12,714,949, G>C on the plus strand (C>G on the coding strand, the complement: TNPO2 is on the minus strand). VCF-style: chr19-12714949-G-C. GRCh37 (hg19) VCF-style: chr19-12825763-G-C.
Other names: c.772-10C>G (NM_001382237.1, NM_001382240.1, NM_001382238.1 and 7 more transcripts).
Identifiers: ClinVar variation 4978334 (VCV004978334.1).

ClinVar aggregate classification (germline): Likely benign (1 of 4 stars; one submission).

Conditions:
TNPO2-related disorder. Also called: TNPO2-related condition.

gnomAD v4.1: 52 of 1,606,800 alleles (0.0032%); highest among the groups gnomAD compares: East Asian, 0.02%; 1 homozygote.

Submission:

PreventionGenetics, part of Exact Sciences
Classification: Likely benign for TNPO2-related condition. Last evaluated: 2026-01-14. Review status: criteria provided, single submitter. Criteria: ACMG Guidelines, 2015. Collection method: clinical testing. Allele origin: germline.
Comment: This variant is classified as likely benign based on ACMG/AMP sequence variant interpretation guidelines (Richards et al. 2015 PMID: 25741868, with internal and published modifications).